The following is an entry in ClinVar:

NM_001844.5(COL2A1):c.2974_3003+5del

Gene: COL2A1 (collagen type II alpha 1 chain; minus strand). Cytogenetic location: 12q13.11.
Variant type: Deletion.
Coding change: c.2974_3003+5del on transcript NM_001844.5 (MANE Select); coding-DNA position 2974 through 5 bases into the intron after coding-DNA position 3003, 35 bases deleted.
Molecular consequence: splice donor variant.
Genome position (GRCh38, 1-based): chr12:47,978,286-47,978,320, 35 bases deleted; deleting any 35 consecutive bases within chr12:47,978,286-47,978,326 gives the same sequence; the c. name uses the placement nearest the transcript's 3' end. GRCh37 (hg19): chr12:48,372,075-48,372,109.
Other names: c.2767_2796+5del (NM_033150.3).
Identifiers: ClinVar variation 4540561 (VCV004540561.1).
Genomic context (GRCh38, chr12:47,978,285, plus strand): 5'-GAGGGAGGTAGAAGCCTTGGCAGGCAGGGCCCAGCTTGGATGGAGGGAGGGATACCCCAC[ACTCACCGACGGGCCAGGCAAGCCAGGGAATCCTCT>A]CTCACCACGTTGCCCAGGCAGACCGACGATGCCTCTCTGACCAGCCAGACCCTGGGGACC-3'

ClinVar aggregate classification (germline): Pathogenic (1 of 4 stars; one submission).

Conditions:
Stickler syndrome. Identifiers: Orphanet 828, MedGen C0265253, MONDO:0019354.

Submission:

Cambridge Genomics Laboratory, East Genomic Laboratory Hub, NHS Genomic Medicine Service
Classification: Pathogenic for Stickler syndrome. Last evaluated: 2025-08-11. Review status: criteria provided, single submitter. Criteria: ACGS Best Practice Guidelines for Variant Classification in Rare Disease 2020. Collection method: clinical testing. Allele origin: germline. Affected: yes.
Comment: PVS1_Strong,PM2,PP1_Strong,PP4